The following is an entry in ClinVar:

ClinVar aggregate classification (germline): Uncertain significance (1 of 4 stars; one submission).

Submission:

Labcorp Genetics (formerly Invitae), Labcorp
Classification: Uncertain significance. Last evaluated: 2022-08-21. Review status: criteria provided, single submitter. Criteria: Invitae Variant Classification Sherloc (09022015). Collection method: clinical testing. Allele origin: germline.
Comment: This sequence change replaces aspartic acid, which is acidic and polar, with asparagine, which is neutral and polar, at codon 1621 of the PTPN23 protein (p.Asp1621Asn). This variant is not present in population databases (gnomAD no frequency). This variant has not been reported in the literature in individuals affected with PTPN23-related conditions. ClinVar contains an entry for this variant (Variation ID: 1425824). Algorithms developed to predict the effect of missense changes on protein structure and function are either unavailable or do not agree on the potential impact of this missense change (SIFT: "Tolerated"; PolyPhen-2: "Not Available"; Align-GVGD: "Class C0"). In summary, the available evidence is currently insufficient to determine the role of this variant in disease. Therefore, it has been classified as a Variant of Uncertain Significance.

NM_015466.4(PTPN23):c.4861G>A (p.Asp1621Asn)

Gene: PTPN23 (protein tyrosine phosphatase non-receptor type 23; plus strand). Cytogenetic location: 3p21.31.
Variant type: single nucleotide variant.
Coding change: c.4861G>A on transcript NM_015466.4 (MANE Select); coding-DNA position 4861, G replaced by A.
Protein change: p.Asp1621Asn; replaces aspartic acid 1621 with asparagine.
Molecular consequence: missense variant.
Genome position (GRCh38, 1-based): chr3:47,413,135, G>A. VCF-style: chr3-47413135-G-A. GRCh37 (hg19) VCF-style: chr3-47454625-G-A.
Other names: c.4483G>A, p.Asp1495Asn (NM_001304482.2); short protein forms D1495N, D1621N.
Identifiers: ClinVar variation 1425824 (VCV001425824.5), dbSNP rs2107730633, ClinGen allele CA352569354.